The following is an entry in ClinVar:

NM_000321.3(RB1):c.1619G>T (p.Gly540Val)

Gene: RB1 (RB transcriptional corepressor 1; plus strand). Cytogenetic location: 13q14.2.
Variant type: single nucleotide variant.
Coding change: c.1619G>T on transcript NM_000321.3 (MANE Select); coding-DNA position 1619, G replaced by T.
Protein change: p.Gly540Val; replaces glycine 540 with valine.
Molecular consequence: missense variant.
Genome position (GRCh38, 1-based): chr13:48,381,367, G>T. VCF-style: chr13-48381367-G-T. GRCh37 (hg19) VCF-style: chr13-48955503-G-T.
Other names: short protein forms G540V.
Identifiers: ClinVar variation 458132 (VCV000458132.19), dbSNP rs769696726, ClinGen allele CA029168.
Genomic context (GRCh38, chr13:48,381,367, plus strand): 5'-TGCTTAATTTAAAAGCCTTTGATTTTTACAAAGTGATCGAAAGTTTTATCAAAGCAGAAG[G>T]CAACTTGACAAGAGAAATGATAAAACATTTAGAACGATGTGAACATCGAATCATGGAATC-3'
Protein context (NP_000312.2, residues 530-550): KVIESFIKAE[Gly540Val]NLTREMIKHL

ClinVar aggregate classification (germline): Benign/Likely benign. Review status: criteria provided, multiple submitters, no conflicts (2 of 4 stars). 5 submissions from 5 submitters: Benign (1); Likely benign (4). Last evaluated 2025-09-02.

Conditions:
Hereditary cancer-predisposing syndrome. Also called: Neoplastic Syndromes, Hereditary; Tumor predisposition; Hereditary Cancer Syndrome; Hereditary neoplastic syndrome. Identifiers: Orphanet 140162, MedGen C0027672, MeSH D009386, MONDO:0015356.
Retinoblastoma (RB1). Also called: RETINOBLASTOMA, SOMATIC. Identifiers: Orphanet 790, MedGen C0035335, MeSH D012175, MONDO:0008380, OMIM 180200, HP:0009919. Disease mechanism: loss of function. Inheritance: Both sporadic and heritable forms are tested..

Allele frequency attached by ClinVar (database versions not stated): ExAC 0.00001; gnomAD exomes 0.00001; gnomAD 0.00003 and 0.00004; TOPMed 0.00003.
gnomAD v4.1: 18 of 1,611,936 alleles (0.0011%); highest among the groups gnomAD compares: Admixed American, 0.0017%; no homozygotes.

Submissions (5):

Labcorp Genetics (formerly Invitae), Labcorp
Classification: Benign for Retinoblastoma. Last evaluated: 2025-09-02. Review status: criteria provided, single submitter. Criteria: Invitae Variant Classification Sherloc (09022015). Collection method: clinical testing. Allele origin: germline.

All of Us Research Program, National Institutes of Health
Classification: Likely benign for Retinoblastoma. Last evaluated: 2024-05-30. Review status: criteria provided, single submitter. Criteria: ACMG Guidelines, 2015. Collection method: clinical testing. Allele origin: germline. Inheritance: Autosomal dominant inheritance. Observed: 2 variant alleles, 2 heterozygotes.
Comment: This study involves interpretation of variants in research participants for the purpose of population health screening. Participant phenotype was not available at the time of variant classification. Additional details can be found in publication PMID: 35346344, PMCID: PMC8962531

Color Diagnostics, LLC DBA Color Health
Classification: Likely benign for Retinoblastoma. Last evaluated: 2024-05-23. Review status: criteria provided, single submitter. Criteria: ACMG Guidelines, 2015. Collection method: clinical testing. Allele origin: germline.

GeneDx
Classification: Likely benign. Last evaluated: 2023-06-26. Review status: criteria provided, single submitter. Criteria: GeneDx Variant Classification Process June 2021. Collection method: clinical testing. Allele origin: germline. Affected: yes.
Comment: See Variant Classification Assertion Criteria.

Ambry Genetics
Classification: Likely benign for Hereditary cancer-predisposing syndrome. Last evaluated: 2021-04-29. Review status: criteria provided, single submitter. Criteria: Ambry Variant Classification Scheme 2023. Collection method: clinical testing. Allele origin: germline.